The following is an entry in ClinVar:

ClinVar aggregate classification (germline): Uncertain significance (1 of 4 stars; one submission).

Conditions:
Long QT syndrome (LQTS). Identifiers: MedGen C0023976, MeSH D008133, MONDO:0002442. Disease mechanism: loss of function. Inheritance: Various modes of inheritance.

Submission:

All of Us Research Program, National Institutes of Health
Classification: Uncertain significance for Long QT syndrome. Last evaluated: 2024-02-22. Review status: criteria provided, single submitter. Criteria: ACMG Guidelines, 2015. Collection method: clinical testing. Allele origin: germline. Inheritance: Autosomal dominant inheritance. Observed: 1 variant allele, 1 heterozygote.
Comment: This missense variant replaces leucine with methionine at codon 282 of the KCNQ1 protein. Computational prediction suggests that this variant may have deleterious impact on protein structure and function (internally defined REVEL score threshold >= 0.7, PMID: 27666373). To our knowledge, functional studies have not been reported for this variant. This variant has not been reported in individuals affected with KCNQ1-related disorders in the literature. This variant has not been identified in the general population by the Genome Aggregation Database (gnomAD). The available evidence is insufficient to determine the role of this variant in disease conclusively. Therefore, this variant is classified as a Variant of Uncertain Significance.

This study involves interpretation of variants in research participants for the purpose of population health screening. Participant phenotype was not available at the time of variant classification. Additional details can be found in publication PMID: 35346344, PMCID: PMC8962531

NM_000218.3(KCNQ1):c.844C>A (p.Leu282Met)

Gene: KCNQ1 (potassium voltage-gated channel subfamily Q member 1; plus strand). Cytogenetic location: 11p15.5.
Variant type: single nucleotide variant.
Coding change: c.844C>A on transcript NM_000218.3 (MANE Select); coding-DNA position 844, C replaced by A.
Protein change: p.Leu282Met; replaces leucine 282 with methionine.
Molecular consequence: missense variant. On other transcripts: intron variant (1).
Genome position (GRCh38, 1-based): chr11:2,572,909, C>A. VCF-style: chr11-2572909-C-A. GRCh37 (hg19) VCF-style: chr11-2594139-C-A.
Other names: c.844C>A, p.Leu282Met (NM_001406836.1); c.574C>A, p.Leu192Met (NM_001406837.1); c.463C>A, p.Leu155Met (NM_181798.2); c.478-10526C>A (NM_001406838.1); short protein forms L155M, L192M, L282M.
Identifiers: ClinVar variation 3386926 (VCV003386926.1).